The following is an entry in ClinVar:

NM_138927.4(SON):c.6657+150G>A

Gene: SON (SON DNA and RNA binding protein; plus strand). Cytogenetic location: 21q22.11.
Variant type: single nucleotide variant.
Coding change: c.6657+150G>A on transcript NM_138927.4 (MANE Select); 150 bases into the intron after coding-DNA position 6657, G replaced by A.
Molecular consequence: intron variant. On other transcripts: missense variant (1).
Genome position (GRCh38, 1-based): chr21:33,559,925, G>A. VCF-style: chr21-33559925-G-A. GRCh37 (hg19) VCF-style: chr21-34932231-G-A.
Other names: c.6706G>A, p.Ala2236Thr (NM_032195.3); c.741+150G>A (NM_001291412.3); short protein forms A2236T.
Identifiers: ClinVar variation 4534315 (VCV004534315.6).

ClinVar aggregate classification (germline): Likely benign (1 of 4 stars; one submission).

gnomAD v4.1: 56 of 1,612,786 alleles (0.0035%); highest among the groups gnomAD compares: Non-Finnish European, 0.0044%; no homozygotes.

Submission:

CeGaT Center for Human Genetics Tuebingen
Classification: Likely benign. Last evaluated: 2025-10-01. Review status: criteria provided, single submitter. Criteria: CeGaT Center For Human Genetics Tuebingen Variant Classification Criteria Version 2. Collection method: clinical testing. Allele origin: germline. Affected: yes. Observed: 1 variant allele.
Comment: SON: BP4, BS2